The following is an entry in ClinVar:

ClinVar aggregate classification (germline): Likely benign. Review status: criteria provided, multiple submitters, no conflicts (2 of 4 stars). 3 submissions from 3 submitters: Likely benign (3). Last evaluated 2024-01-19.

Conditions:
Pyruvate dehydrogenase E2 deficiency (PDHDD). Also called: Dihydrolipoamide Acetyltransferase (E2) Deficiency; LACTIC ACIDEMIA DUE TO DEFECT OF E2 LIPOYL TRANSACETYLASE OF THE PYRUVATE DEHYDROGENASE COMPLEX. Identifiers: Orphanet 765, Orphanet 79244, MedGen C1855565, MONDO:0009502, OMIM 245348.

Allele frequency attached by ClinVar (database versions not stated): gnomAD exomes 0.00001; ExAC 0.00003; gnomAD 0.00008 and 0.00009; TOPMed 0.00013; ESP Exome Variant Server 0.00015.
gnomAD v4.1: 21 of 1,606,358 alleles (0.0013%); highest among the groups gnomAD compares: African/African-American, 0.024%; no homozygotes.

Submissions (3):

Labcorp Genetics (formerly Invitae), Labcorp
Classification: Likely benign for Pyruvate dehydrogenase E2 deficiency. Last evaluated: 2024-01-19. Review status: criteria provided, single submitter. Criteria: Invitae Variant Classification Sherloc (09022015). Collection method: clinical testing. Allele origin: germline.

GeneDx
Classification: Likely benign. Last evaluated: 2018-05-22. Review status: criteria provided, single submitter. Criteria: GeneDx Variant Classification (06012015). Collection method: clinical testing. Allele origin: germline. Affected: yes.
Comment: This variant is considered likely benign or benign based on one or more of the following criteria: it is a conservative change, it occurs at a poorly conserved position in the protein, it is predicted to be benign by multiple in silico algorithms, and/or has population frequency not consistent with disease.

Breakthrough Genomics
Classification: Likely benign. Review status: criteria provided, single submitter. Criteria: ACMG Guidelines, 2015. Collection method: not provided. Allele origin: germline. Inheritance: Autosomal recessive inheritance. Affected: yes.

NM_001931.5(DLAT):c.1374G>A (p.Leu458=)

Gene: DLAT (dihydrolipoamide S-acetyltransferase; plus strand). Cytogenetic location: 11q23.1.
Variant type: single nucleotide variant.
Coding change: c.1374G>A on transcript NM_001931.5 (MANE Select); coding-DNA position 1374, G replaced by A.
Protein change: p.Leu458=; no amino-acid change (leucine 458 retained).
Molecular consequence: synonymous variant. On other transcripts: non-coding transcript variant (1), intron variant (2).
Genome position (GRCh38, 1-based): chr11:112,045,946, G>A. VCF-style: chr11-112045946-G-A. GRCh37 (hg19) VCF-style: chr11-111916670-G-A.
Other names: c.1374G>A, p.Leu458= (NM_001372031.1, NM_001372033.1); c.1368G>A, p.Leu456= (NM_001372032.1); c.1341G>A, p.Leu447= (NM_001372034.1); c.1248G>A, p.Leu416= (NM_001372036.1); c.1206G>A, p.Leu402= (NM_001372037.1); c.1095G>A, p.Leu365= (NM_001372038.1); c.1059G>A, p.Leu353= (NM_001372039.1); c.993G>A, p.Leu331= (NM_001372040.1); and 3 more.
Identifiers: ClinVar variation 668340 (VCV000668340.8), dbSNP rs147264946, ClinGen allele CA6276902.